The following is an entry in ClinVar:

NM_004656.4(BAP1):c.1573T>C (p.Ser525Pro)

Gene: BAP1 (BRCA1 associated deubiquitinase 1; minus strand). Cytogenetic location: 3p21.1.
Variant type: single nucleotide variant.
Coding change: c.1573T>C on transcript NM_004656.4 (MANE Select); coding-DNA position 1573, T replaced by C.
Protein change: p.Ser525Pro; replaces serine 525 with proline.
Molecular consequence: missense variant.
Genome position (GRCh38, 1-based): chr3:52,403,572, A>G on the plus strand (T>C on the coding strand, the complement: BAP1 is on the minus strand). VCF-style: chr3-52403572-A-G. GRCh37 (hg19) VCF-style: chr3-52437588-A-G.
Other names: c.1519T>C, p.Ser507Pro (NM_001410772.1); short protein forms S507P, S525P.
Identifiers: ClinVar variation 3986962 (VCV003986962.1).
Genomic context (GRCh38, chr3:52,403,572, plus strand): 5'-GTATGCAGTCAACACGCAGCAGGCTGTCATCCTCTCCAAAAAGCACCTTGGAGATGTGGG[A>G]GGTGACAGGGCTGGAGGGCCGCGTCGGGTTGGCTGAGCGGATAGGCGAGCGCAGTGGCGA-3'
Protein context (NP_004647.1, residues 515-535): NPTRPSSPVT[Ser525Pro]HISKVLFGED

ClinVar aggregate classification (germline): Uncertain significance (1 of 4 stars; one submission).

Conditions:
Hereditary cancer-predisposing syndrome. Also called: Tumor predisposition; Hereditary neoplastic syndrome; Neoplastic Syndromes, Hereditary; Hereditary Cancer Syndrome. Identifiers: Orphanet 140162, MedGen C0027672, MeSH D009386, MONDO:0015356.

Submission:

Ambry Genetics
Classification: Uncertain significance for Hereditary cancer-predisposing syndrome. Last evaluated: 2025-04-28. Review status: criteria provided, single submitter. Criteria: Ambry Variant Classification Scheme 2023. Collection method: clinical testing. Allele origin: germline.
Comment: The p.S525P variant (also known as c.1573T>C), located in coding exon 13 of the BAP1 gene, results from a T to C substitution at nucleotide position 1573. The serine at codon 525 is replaced by proline, an amino acid with similar properties. This amino acid position is conserved. In addition, the in silico prediction for this alteration is inconclusive. Based on the available evidence, the clinical significance of this variant remains unclear.